The following is an entry in ClinVar:

ClinVar aggregate classification (germline): Uncertain significance (1 of 4 stars; one submission).

Conditions:
Cardiovascular phenotype. Identifiers: MedGen CN230736.

Submission:

Ambry Genetics
Classification: Uncertain significance for Cardiovascular phenotype. Last evaluated: 2020-08-06. Review status: criteria provided, single submitter. Criteria: Ambry Variant Classification Scheme 2023. Collection method: clinical testing. Allele origin: germline.
Comment: The p.S1237F variant (also known as c.3710C>T), located in coding exon 8 of the ALMS1 gene, results from a C to T substitution at nucleotide position 3710. The serine at codon 1237 is replaced by phenylalanine, an amino acid with highly dissimilar properties. This amino acid position is well conserved in available vertebrate species. In addition, this alteration is predicted to be tolerated by in silico analysis. Since supporting evidence is limited at this time, the clinical significance of this alteration remains unclear.

NM_001378454.1(ALMS1):c.3707C>T (p.Ser1236Phe)

Gene: ALMS1 (ALMS1 centrosome and basal body associated protein; plus strand). Cytogenetic location: 2p13.1.
Variant type: single nucleotide variant.
Coding change: c.3707C>T on transcript NM_001378454.1 (MANE Select); coding-DNA position 3707, C replaced by T.
Protein change: p.Ser1236Phe; replaces serine 1236 with phenylalanine.
Molecular consequence: missense variant.
Genome position (GRCh38, 1-based): chr2:73,450,234, C>T. VCF-style: chr2-73450234-C-T. GRCh37 (hg19) VCF-style: chr2-73677361-C-T.
Other names: c.3710C>T, p.Ser1237Phe (NM_015120.4); short protein forms S1236F, S1237F.
Identifiers: ClinVar variation 1734197 (VCV001734197.2), dbSNP rs2466099128, ClinGen allele CA347276295.